The following is an entry in ClinVar:

ClinVar aggregate classification (germline): Pathogenic/Likely pathogenic. Review status: criteria provided, multiple submitters, no conflicts (2 of 4 stars). 2 submissions from 2 submitters: Pathogenic (1); Likely pathogenic (1). Last evaluated 2026-06-25.

Conditions:
L-2-hydroxyglutaric aciduria (L2HGA). Identifiers: Orphanet 79314, MedGen C1855995, MONDO:0009370, OMIM 236792, HP:0040144.

Allele frequency attached by ClinVar (database versions not stated): ExAC 0.00003; gnomAD 0.00001; gnomAD exomes 0.00004 and 0.00003.
gnomAD v4.1: 58 of 1,611,488 alleles (0.0036%); highest among the groups gnomAD compares: Non-Finnish European, 0.0048%; no homozygotes.

Submissions (2):

Women's Health and Genetics/Laboratory Corporation of America, LabCorp
Classification: Likely pathogenic for L-2-hydroxyglutaric aciduria. Last evaluated: 2026-06-25. Review status: criteria provided, single submitter. Criteria: LabCorp Variant Classification Summary - May 2015. Collection method: clinical testing. Allele origin: germline.
Comment: Variant summary: L2HGDH c.418G>C (p.Ala140Pro) results in a non-conservative amino acid change in the encoded protein sequence. Algorithms developed to predict the effect of missense changes on protein structure and function all suggest that this variant is likely to be disruptive. The variant allele was found at a frequency of 2.8e-05 in 249976 control chromosomes. c.418G>C has been observed in the presumed or confirmed compound heterozygous state in multiple individual(s) affected with L2HGDH-related conditions (example, Sass_2009, internal data). These data indicate that the variant may be associated with disease. To our knowledge, no experimental evidence demonstrating an impact on protein function has been reported. Internally validated machine learning-based Evidence Modeling of protein sequence and biophysical properties (such as structural, functional, and spatial information, amino acid conservation, physicochemical variation, residue mobility, and thermodynamic stability) indicates that this missense variant is expected to disrupt protein function with a positive predictive value of at least 95%. The following publications have been ascertained in the context of this evaluation (PMID: 19863265, 20052767). ClinVar contains an entry for this variant (Variation ID: 1429237). Based on the evidence outlined above, the variant was classified as likely pathogenic.

Labcorp Genetics (formerly Invitae), Labcorp
Classification: Pathogenic for L-2-hydroxyglutaric aciduria. Last evaluated: 2024-10-15. Review status: criteria provided, single submitter. Criteria: Invitae Variant Classification Sherloc (09022015). Collection method: clinical testing. Allele origin: germline.
Comment: This sequence change replaces alanine, which is neutral and non-polar, with proline, which is neutral and non-polar, at codon 140 of the L2HGDH protein (p.Ala140Pro). This variant is present in population databases (rs759631551, gnomAD 0.005%). This missense change has been observed in individual(s) with L-2-hydroxyglutaric aciduria (PMID: 19863265, 20052767; internal data). In at least one individual the data is consistent with being in trans (on the opposite chromosome) from a pathogenic variant. ClinVar contains an entry for this variant (Variation ID: 1429237). Invitae Evidence Modeling of protein sequence and biophysical properties (such as structural, functional, and spatial information, amino acid conservation, physicochemical variation, residue mobility, and thermodynamic stability) indicates that this missense variant is expected to disrupt L2HGDH protein function with a positive predictive value of 95%. For these reasons, this variant has been classified as Pathogenic.

Literature cited by the submitters: PubMed 20052767 (cited by Women's Health and Genetics/Laboratory Corporation of America, LabCorp and Labcorp Genetics (formerly Invitae), Labcorp); PubMed 19863265 (cited by Women's Health and Genetics/Laboratory Corporation of America, LabCorp and Labcorp Genetics (formerly Invitae), Labcorp).

NM_024884.3(L2HGDH):c.418G>C (p.Ala140Pro)

Gene: L2HGDH (L-2-hydroxyglutarate dehydrogenase; minus strand). Cytogenetic location: 14q21.3.
Variant type: single nucleotide variant.
Coding change: c.418G>C on transcript NM_024884.3 (MANE Select); coding-DNA position 418, G replaced by C.
Protein change: p.Ala140Pro; replaces alanine 140 with proline.
Molecular consequence: missense variant.
Genome position (GRCh38, 1-based): chr14:50,294,237, C>G on the plus strand (G>C on the coding strand, the complement: L2HGDH is on the minus strand). VCF-style: chr14-50294237-C-G. GRCh37 (hg19) VCF-style: chr14-50760955-C-G.
Other names: short protein forms A140P.
Identifiers: ClinVar variation 1429237 (VCV001429237.9), dbSNP rs759631551, ClinGen allele CA7178015.